The following is an entry in ClinVar:

NM_032043.3(BRIP1):c.1691T>C (p.Ile564Thr)

Gene: BRIP1 (BRCA1 interacting DNA helicase 1; minus strand). Cytogenetic location: 17q23.2.
Variant type: single nucleotide variant.
Coding change: c.1691T>C on transcript NM_032043.3 (MANE Select); coding-DNA position 1691, T replaced by C.
Protein change: p.Ile564Thr; replaces isoleucine 564 with threonine.
Molecular consequence: missense variant.
Genome position (GRCh38, 1-based): chr17:61,780,943, A>G on the plus strand (T>C on the coding strand, the complement: BRIP1 is on the minus strand). VCF-style: chr17-61780943-A-G. GRCh37 (hg19) VCF-style: chr17-59858304-A-G.
Other names: short protein forms I564T.
Identifiers: ClinVar variation 491414 (VCV000491414.14), dbSNP rs755635967, ClinGen allele CA292282224.
Genomic context (GRCh38, chr17:61,780,943, plus strand): 5'-GTTTTCTGTCGTGAACGTTTCTTATTTTTTGGTAGAACCAACAACCCATTTTTGTCTGAA[A>G]TATCAATCTGATTTGTCCAGGAGTAAGTCTGTTGAATCGCAATTTTATAATCATCTGCAA-3'
Protein context (NP_114432.2, residues 554-574): QTYSWTNQID[Ile564Thr]SDKNGLLVLP

ClinVar aggregate classification (germline): Conflicting classifications of pathogenicity. Review status: criteria provided, conflicting classifications (1 of 4 stars). 3 submissions from 3 submitters: Uncertain significance (2); Likely benign (1). Last evaluated 2025-02-06.

Conditions:
Fanconi anemia complementation group J. Also called: BRIP1-Related Fanconi Anemia. Identifiers: Orphanet 84, MedGen C1836860, MONDO:0012187, OMIM 609054.
Familial cancer of breast. Also called: BREAST CANCER, FAMILIAL; hereditary breast carcinoma; Hereditary breast cancer. Identifiers: Orphanet 227535, MedGen C0346153, MONDO:0016419, OMIM 114480. Disease mechanism: loss of function.
Hereditary cancer-predisposing syndrome. Also called: Tumor predisposition; Neoplastic Syndromes, Hereditary; Hereditary Cancer Syndrome; Hereditary neoplastic syndrome. Identifiers: Orphanet 140162, MedGen C0027672, MeSH D009386, MONDO:0015356.

Allele frequency attached by ClinVar (database versions not stated): gnomAD exomes 0.00001.
gnomAD v4.1: 11 of 1,614,096 alleles (0.00068%); highest among the groups gnomAD compares: Non-Finnish European, 0.00085%; no homozygotes.

Submissions (3):

Labcorp Genetics (formerly Invitae), Labcorp
Classification: Uncertain significance for Familial cancer of breast; Fanconi anemia complementation group J. Last evaluated: 2025-02-06. Review status: criteria provided, single submitter. Criteria: Invitae Variant Classification Sherloc (09022015). Collection method: clinical testing. Allele origin: germline.
Comment: This sequence change replaces isoleucine, which is neutral and non-polar, with threonine, which is neutral and polar, at codon 564 of the BRIP1 protein (p.Ile564Thr). This variant is not present in population databases (gnomAD no frequency). This variant has not been reported in the literature in individuals affected with BRIP1-related conditions. ClinVar contains an entry for this variant (Variation ID: 491414). Invitae Evidence Modeling of protein sequence and biophysical properties (such as structural, functional, and spatial information, amino acid conservation, physicochemical variation, residue mobility, and thermodynamic stability) indicates that this missense variant is not expected to disrupt BRIP1 protein function with a negative predictive value of 95%. In summary, the available evidence is currently insufficient to determine the role of this variant in disease. Therefore, it has been classified as a Variant of Uncertain Significance.

Ambry Genetics
Classification: Likely benign for Hereditary cancer-predisposing syndrome. Last evaluated: 2024-05-30. Review status: criteria provided, single submitter. Criteria: Ambry Variant Classification Scheme 2023. Collection method: clinical testing. Allele origin: germline.

Color Diagnostics, LLC DBA Color Health
Classification: Uncertain significance for Hereditary cancer-predisposing syndrome. Last evaluated: 2018-12-30. Review status: criteria provided, single submitter. Criteria: ACMG Guidelines, 2015. Collection method: clinical testing. Allele origin: germline.